The following is an entry in ClinVar:

ClinVar aggregate classification (germline): Benign. Review status: criteria provided, multiple submitters, no conflicts (2 of 4 stars). 4 submissions from 4 submitters: Benign (3). 1 of the submissions does not count toward it. Last evaluated 2019-12-31.

Conditions:
Gaze palsy, familial horizontal, with progressive scoliosis 1 (HGPPS1). Identifiers: Orphanet 2744, MedGen C4551964, MONDO:0020790, OMIM 607313.
ROBO3-related disorder. Also called: ROBO3-related condition.

Allele frequency attached by ClinVar (database versions not stated): ESP Exome Variant Server 0.00031; gnomAD 0.00105 and 0.00139; TOPMed 0.00262; ExAC 0.00264; gnomAD exomes 0.00274; 1000 Genomes Project 30x 0.00422; 1000 Genomes Project 0.00479.
gnomAD v4.1: 1,968 of 1,613,942 alleles (0.12%); highest among the groups gnomAD compares: East Asian, 3.7%; 41 homozygotes.

Submissions (4):

Labcorp Genetics (formerly Invitae), Labcorp
Classification: Benign. Last evaluated: 2019-12-31. Review status: criteria provided, single submitter. Criteria: Invitae Variant Classification Sherloc (09022015). Collection method: clinical testing. Allele origin: germline.

Illumina Laboratory Services, Illumina
Classification: Benign for Gaze palsy, familial horizontal, with progressive scoliosis 1. Last evaluated: 2018-01-12. Review status: criteria provided, single submitter. Criteria: ICSL Variant Classification Criteria 13 December 2019. Collection method: clinical testing. Allele origin: germline.
Comment: This variant was observed in the ICSL laboratory as part of a predisposition screen in an ostensibly healthy population. It had not been previously curated by ICSL or reported in the Human Gene Mutation Database (HGMD: prior to June 1st, 2018), and was therefore a candidate for classification through an automated scoring system. Utilizing variant allele frequency, disease prevalence and penetrance estimates, and inheritance mode, an automated score was calculated to assess if this variant is too frequent to cause the disease. Based on the score and internal cut-off values, a variant classified as benign is not then subjected to further curation. The score for this variant resulted in a classification of benign for this disease.

Breakthrough Genomics
Classification: Benign. Review status: criteria provided, single submitter. Criteria: ACMG Guidelines, 2015. Collection method: not provided. Allele origin: germline. Inheritance: Autosomal recessive inheritance. Affected: yes.

PreventionGenetics, part of Exact Sciences
Classification: Benign for ROBO3-related condition. Last evaluated: 2019-04-06. Review status: no assertion criteria provided. Collection method: clinical testing. Allele origin: germline. Not counted in ClinVar's aggregate classification.
Comment: This variant is classified as benign based on ACMG/AMP sequence variant interpretation guidelines (Richards et al. 2015 PMID: 25741868, with internal and published modifications).

NM_022370.4(ROBO3):c.1852G>A (p.Gly618Ser)

Gene: ROBO3 (roundabout guidance receptor 3; plus strand). Cytogenetic location: 11q24.2.
Variant type: single nucleotide variant.
Coding change: c.1852G>A on transcript NM_022370.4 (MANE Select); coding-DNA position 1852, G replaced by A.
Protein change: p.Gly618Ser; replaces glycine 618 with serine.
Molecular consequence: missense variant.
Genome position (GRCh38, 1-based): chr11:124,874,137, G>A. VCF-style: chr11-124874137-G-A. GRCh37 (hg19) VCF-style: chr11-124744033-G-A.
Other names: short protein forms G618S.
Identifiers: ClinVar variation 303246 (VCV000303246.12), dbSNP rs74787566, ClinGen allele CA6343619.